The following is an entry in ClinVar:

ClinVar aggregate classification (germline): Uncertain significance. Review status: criteria provided, multiple submitters, no conflicts (2 of 4 stars). 2 submissions from 2 submitters: Uncertain significance (2). Last evaluated 2024-08-13.

Conditions:
Charcot-Marie-Tooth disease type 2. Also called: Charcot-Marie-Tooth type 2. Identifiers: Orphanet 64746, MedGen C0270914, MONDO:0018993.

Allele frequency attached by ClinVar (database versions not stated): gnomAD exomes below 0.00001.
gnomAD v4.1: 4 of 1,587,922 alleles (0.00025%); highest among the groups gnomAD compares: Non-Finnish European, 0.00035%; no homozygotes.

Submissions (2):

Labcorp Genetics (formerly Invitae), Labcorp
Classification: Uncertain significance for Charcot-Marie-Tooth disease type 2. Last evaluated: 2024-08-13. Review status: criteria provided, single submitter. Criteria: Invitae Variant Classification Sherloc (09022015). Collection method: clinical testing. Allele origin: germline.
Comment: This sequence change replaces aspartic acid, which is acidic and polar, with glycine, which is neutral and non-polar, at codon 507 of the KIF1B protein (p.Asp507Gly). This variant is not present in population databases (gnomAD no frequency). This variant has not been reported in the literature in individuals affected with KIF1B-related conditions. Advanced modeling of protein sequence and biophysical properties (such as structural, functional, and spatial information, amino acid conservation, physicochemical variation, residue mobility, and thermodynamic stability) has been performed at Invitae for this missense variant, however the output from this modeling did not meet the statistical confidence thresholds required to predict the impact of this variant on KIF1B protein function. In summary, the available evidence is currently insufficient to determine the role of this variant in disease. Therefore, it has been classified as a Variant of Uncertain Significance.

Ambry Genetics
Classification: Uncertain significance. Last evaluated: 2024-02-06. Review status: criteria provided, single submitter. Criteria: Ambry Variant Classification Scheme 2023. Collection method: clinical testing. Allele origin: germline.
Comment: The p.D507G variant (also known as c.1520A>G), located in coding exon 15 of the KIF1B gene, results from an A to G substitution at nucleotide position 1520. The aspartic acid at codon 507 is replaced by glycine, an amino acid with similar properties. This amino acid position is conserved. In addition, this alteration is predicted to be deleterious by in silico analysis. Based on the available evidence, the clinical significance of this alteration remains unclear.

NM_001365951.3(KIF1B):c.1658A>G (p.Asp553Gly)

Gene: KIF1B (kinesin family member 1B; plus strand). Cytogenetic location: 1p36.22.
Variant type: single nucleotide variant.
Coding change: c.1658A>G on transcript NM_001365951.3 (MANE Select); coding-DNA position 1658, A replaced by G.
Protein change: p.Asp553Gly; replaces aspartic acid 553 with glycine.
Molecular consequence: missense variant.
Genome position (GRCh38, 1-based): chr1:10,295,153, A>G. VCF-style: chr1-10295153-A-G. GRCh37 (hg19) VCF-style: chr1-10355211-A-G.
Other names: c.1658A>G, p.Asp553Gly (NM_001365952.1); c.1520A>G, p.Asp507Gly (NM_001365953.1, NM_015074.3, NM_183416.4); short protein forms D507G, D553G.
Identifiers: ClinVar variation 3226358 (VCV003226358.3), dbSNP rs1650198888, ClinGen allele CA338314571.